The following is an entry in ClinVar:

NM_004364.5(CEBPA):c.-39C>A

Genes: CEBPA (CCAAT enhancer binding protein alpha; minus strand), LOC130064183 (ATAC-STARR-seq lymphoblastoid silent region 10495; plus strand). Cytogenetic location: 19q13.11.
Variant type: single nucleotide variant.
Coding change: c.-39C>A on transcript NM_004364.5 (MANE Select); 39 bases upstream of the start codon, C replaced by A.
Molecular consequence: 5 prime UTR variant. On other transcripts: missense variant (1).
Genome position (GRCh38, 1-based): chr19:33,302,453, G>T on the plus strand (C>A on the coding strand, the complement: CEBPA is on the minus strand). VCF-style: chr19-33302453-G-T. GRCh37 (hg19) VCF-style: chr19-33793359-G-T.
Other names: c.-396C>A (NM_001285829.2); c.67C>A, p.Arg23Ser (NM_001287424.2); c.-81C>A (NM_001287435.2); c.67C>A (NM_001287424.1); short protein forms R23S.
Identifiers: ClinVar variation 625913 (VCV000625913.6), dbSNP rs41434054, ClinGen allele CA307844471.

ClinVar aggregate classification (germline): Conflicting classifications of pathogenicity. Review status: criteria provided, conflicting classifications (1 of 4 stars). 3 submissions from 3 submitters: Uncertain significance (1); Likely benign (1). 1 of the submissions does not count toward it. Last evaluated 2023-11-27.

Conditions:
Acute myeloid leukemia (AML). Also called: Acute myeloid leukemia, adult; AML adult; Acute non-lymphocytic leukemia; Acute granulocytic leukemia; Leukemia, acute myeloid, somatic; Leukemia, acute myelogenous, somatic. Identifiers: Orphanet 519, MedGen C0023467, MeSH D015470, MONDO:0018874, OMIM 601626, HP:0004808. Disease mechanism: Constitutively activated FLT3.
CEBPA-related disorder. Also called: CEBPA-related condition.

Allele frequency attached by ClinVar (database versions not stated): 1000 Genomes Project 30x 0.00094; 1000 Genomes Project 0.00100; TOPMed 0.00076; gnomAD 0.00078 and 0.00082.

Submissions (3):

Blueprint Genetics
Classification: Likely benign. Last evaluated: 2023-11-27. Review status: criteria provided, single submitter. Criteria: ACMG Guidelines, 2015. Collection method: clinical testing. Allele origin: germline.

Center for Genomics, Ann and Robert H. Lurie Children's Hospital of Chicago
Classification: Uncertain significance for Acute myeloid leukemia. Last evaluated: 2021-03-30. Review status: criteria provided, single submitter. Criteria: ACMG Guidelines, 2015. Collection method: clinical testing. Allele origin: germline.
Comment: CEBPA NM_001287424.1 exon 1 p.Arg23Ser (c.67C>A): This variant has not been reported in the literature but is present in 0.3% (30/8594) of African alleles, including 1 homozygote in the Genome Aggregation Database. Evolutionary conservation and computational predictive tools for this variant are limited or unavailable. In summary, data on this variant is insufficient for disease classification. Therefore, the clinical significance of this variant is uncertain.

PreventionGenetics, part of Exact Sciences
Classification: Likely benign for CEBPA-related condition. Last evaluated: 2022-11-02. Review status: no assertion criteria provided. Collection method: clinical testing. Allele origin: germline. Not counted in ClinVar's aggregate classification.
Comment: This variant is classified as likely benign based on ACMG/AMP sequence variant interpretation guidelines (Richards et al. 2015 PMID: 25741868, with internal and published modifications).